The following is an entry in ClinVar:

ClinVar aggregate classification (germline): Uncertain significance (1 of 4 stars; one submission).

Conditions:
Baller-Gerold syndrome (BGS). Also called: CRANIOSYNOSTOSIS WITH RADIAL DEFECTS. Identifiers: Orphanet 1225, MedGen C0265308, MONDO:0009039, OMIM 218600.

Allele frequency attached by ClinVar (database versions not stated): TOPMed 0.00001.

Submission:

Labcorp Genetics (formerly Invitae), Labcorp
Classification: Uncertain significance for Baller-Gerold syndrome. Last evaluated: 2023-01-31. Review status: criteria provided, single submitter. Criteria: Invitae Variant Classification Sherloc (09022015). Collection method: clinical testing. Allele origin: germline.
Comment: This sequence change replaces alanine, which is neutral and non-polar, with proline, which is neutral and non-polar, at codon 801 of the RECQL4 protein (p.Ala801Pro). This variant is not present in population databases (gnomAD no frequency). This variant has not been reported in the literature in individuals affected with RECQL4-related conditions. ClinVar contains an entry for this variant (Variation ID: 971331). Advanced modeling of protein sequence and biophysical properties (such as structural, functional, and spatial information, amino acid conservation, physicochemical variation, residue mobility, and thermodynamic stability) performed at Invitae indicates that this missense variant is expected to disrupt RECQL4 protein function. In summary, the available evidence is currently insufficient to determine the role of this variant in disease. Therefore, it has been classified as a Variant of Uncertain Significance.

NM_004260.4(RECQL4):c.2401G>C (p.Ala801Pro)

Gene: RECQL4 (RecQ like helicase 4; minus strand). Cytogenetic location: 8q24.3.
Variant type: single nucleotide variant.
Coding change: c.2401G>C on transcript NM_004260.4 (MANE Select); coding-DNA position 2401, G replaced by C.
Protein change: p.Ala801Pro; replaces alanine 801 with proline.
Molecular consequence: missense variant.
Genome position (GRCh38, 1-based): chr8:144,513,280, C>G on the plus strand (G>C on the coding strand, the complement: RECQL4 is on the minus strand). VCF-style: chr8-144513280-C-G. GRCh37 (hg19) VCF-style: chr8-145738663-C-G.
Other names: short protein forms A801P.
Identifiers: ClinVar variation 971331 (VCV000971331.7), dbSNP rs994146252, ClinGen allele CA187682334.